The following is an entry in ClinVar:

ClinVar aggregate classification (germline): Likely benign. Review status: criteria provided, single submitter (1 of 4 stars). 2 submissions from 2 submitters: Likely benign (1). 1 of the submissions does not count toward it. Last evaluated 2026-02-02.

Conditions:
FBN3-related disorder. Also called: FBN3-related condition.

Allele frequency attached by ClinVar (database versions not stated): gnomAD exomes 0.00022 and 0.00065; ExAC 0.00082; 1000 Genomes Project 0.00200; 1000 Genomes Project 30x 0.00219; gnomAD 0.00270 and 0.00292; TOPMed 0.00312; ESP Exome Variant Server 0.00361.

Submissions (2):

Labcorp Genetics (formerly Invitae), Labcorp
Classification: Likely benign. Last evaluated: 2026-02-02. Review status: criteria provided, single submitter. Criteria: Invitae Variant Classification Sherloc (09022015). Collection method: clinical testing. Allele origin: germline.

PreventionGenetics, part of Exact Sciences
Classification: Benign for FBN3-related condition. Last evaluated: 2020-02-17. Review status: no assertion criteria provided. Collection method: clinical testing. Allele origin: germline. Not counted in ClinVar's aggregate classification.
Comment: This variant is classified as benign based on ACMG/AMP sequence variant interpretation guidelines (Richards et al. 2015 PMID: 25741868, with internal and published modifications).

NM_032447.5(FBN3):c.5054A>G (p.Asn1685Ser)

Gene: FBN3 (fibrillin 3; minus strand). Cytogenetic location: 19p13.2.
Variant type: single nucleotide variant.
Coding change: c.5054A>G on transcript NM_032447.5 (MANE Select); coding-DNA position 5054, A replaced by G.
Protein change: p.Asn1685Ser; replaces asparagine 1685 with serine.
Molecular consequence: missense variant.
Genome position (GRCh38, 1-based): chr19:8,102,759, T>C on the plus strand (A>G on the coding strand, the complement: FBN3 is on the minus strand). VCF-style: chr19-8102759-T-C. GRCh37 (hg19) VCF-style: chr19-8167643-T-C.
Other names: c.5054A>G, p.Asn1685Ser (NM_001321431.2); c.5054A>G (NM_001321431.1); short protein forms N1685S.
Identifiers: ClinVar variation 729701 (VCV000729701.11), dbSNP rs61729609, ClinGen allele CA9151829.
Genomic context (GRCh38, chr19:8,102,759, plus strand): 5'-AAGAAGGTTGGGGAGGGTTACTCACGACTGATGGGAGTGGGGCAGGCCTCACAGGGTCTA[T>C]TCCAGGCCTGGCCAATGTTGTAGGAGCAGCAACACATTTTCCGGGTCACGTTGAAGGCCA-3'
Protein context (NP_115823.3, residues 1675-1695): CCSYNIGQAW[Asn1685Ser]RPCEACPTPI